The following is an entry in ClinVar:

ClinVar aggregate classification (germline): Uncertain significance. Review status: criteria provided, multiple submitters, no conflicts (2 of 4 stars). 4 submissions from 4 submitters: Uncertain significance (4). Last evaluated 2025-01-06.

Conditions:
Connective tissue disorder. Also called: Connective tissue disease. Identifiers: MedGen C0009782, MONDO:0003900.

Allele frequency attached by ClinVar (database versions not stated): gnomAD exomes below 0.00001; ExAC 0.00001; gnomAD 0.00002 and 0.00003; TOPMed 0.00002; ESP Exome Variant Server 0.00015.
gnomAD v4.1: 37 of 1,612,192 alleles (0.0023%); highest among the groups gnomAD compares: Non-Finnish European, 0.0029%; no homozygotes.

Submissions (4):

Labcorp Genetics (formerly Invitae), Labcorp
Classification: Uncertain significance. Last evaluated: 2025-01-06. Review status: criteria provided, single submitter. Criteria: Invitae Variant Classification Sherloc (09022015). Collection method: clinical testing. Allele origin: germline.
Comment: This sequence change replaces proline, which is neutral and non-polar, with serine, which is neutral and polar, at codon 1626 of the COL11A1 protein (p.Pro1626Ser). This variant is present in population databases (rs377036654, gnomAD 0.002%). This missense change has been observed in individual(s) with clinical features of COL11A1-related conditions (PMID: 37086329). ClinVar contains an entry for this variant (Variation ID: 547211). Invitae Evidence Modeling of protein sequence and biophysical properties (such as structural, functional, and spatial information, amino acid conservation, physicochemical variation, residue mobility, and thermodynamic stability) indicates that this missense variant is expected to disrupt COL11A1 protein function with a positive predictive value of 80%. In summary, the available evidence is currently insufficient to determine the role of this variant in disease. Therefore, it has been classified as a Variant of Uncertain Significance.

GeneDx
Classification: Uncertain significance. Last evaluated: 2024-07-16. Review status: criteria provided, single submitter. Criteria: GeneDx Variant Classification Process June 2021. Collection method: clinical testing. Allele origin: germline. Affected: yes.
Comment: Listed as a missense variant evaluated in the deafness variant database, no associated patient information reported (PMID: 37086329); Reported in a large cohort of individuals with multiple myeloma (PMID: 28404951); no patient clinical or segregation information provided; Not located in the triple helical region, where the majority of pathogenic missense variants occur (HGMD; PMID: 25240749); Not observed at significant frequency in large population cohorts (gnomAD); In silico analysis supports that this missense variant has a deleterious effect on protein structure/function; This variant is associated with the following publications: (PMID: 25240749, 37086329, 28404951)

Blueprint Genetics
Classification: Uncertain significance. Last evaluated: 2020-12-10. Review status: criteria provided, single submitter. Criteria: ACMG Guidelines, 2015. Collection method: clinical testing. Allele origin: germline.

Center for Human Genetics, Inc
Classification: Uncertain significance for Connective tissue disorder. Last evaluated: 2016-11-01. Review status: criteria provided, single submitter. Criteria: ACMG Guidelines, 2015. Collection method: clinical testing. Allele origin: germline. Affected: yes.

Literature cited by the submitters: PubMed 37086329 (cited by Labcorp Genetics (formerly Invitae), Labcorp).

NM_001854.4(COL11A1):c.4876C>T (p.Pro1626Ser)

Gene: COL11A1 (collagen type XI alpha 1 chain; minus strand). Cytogenetic location: 1p21.1.
Variant type: single nucleotide variant.
Coding change: c.4876C>T on transcript NM_001854.4 (MANE Select); coding-DNA position 4876, C replaced by T.
Protein change: p.Pro1626Ser; replaces proline 1626 with serine.
Molecular consequence: missense variant. On other transcripts: non-coding transcript variant (1).
Genome position (GRCh38, 1-based): chr1:102,883,294, G>A on the plus strand (C>T on the coding strand, the complement: COL11A1 is on the minus strand). VCF-style: chr1-102883294-G-A. GRCh37 (hg19) VCF-style: chr1-103348850-G-A.
Other names: c.4759C>T, p.Pro1587Ser (NM_001190709.2); c.4912C>T, p.Pro1638Ser (NM_080629.3); c.4528C>T, p.Pro1510Ser (NM_080630.4); short protein forms P1626S, P1638S, P1510S, P1587S.
Identifiers: ClinVar variation 547211 (VCV000547211.7), dbSNP rs377036654, ClinGen allele CA973374.
Genomic context (GRCh38, chr1:102,883,294, plus strand): 5'-CACCACCAGATGTGAAATTACAGTAAACTTTGAAGGAATCTCCTGAGCAACCTTGGTTAG[G>A]ATCAATCCAATATTCACCTAGAAGGTAGCAAAAAATATGTCATATAAAAATTCATTGACA-3'
Protein context (NP_001845.3, residues 1616-1636): DFPDGEYWID[Pro1626Ser]NQGCSGDSFK